The following is an entry in ClinVar:

NM_006371.5(CRTAP):c.*3243A>C

Gene: CRTAP (cartilage associated protein; plus strand). Cytogenetic location: 3p22.3.
Variant type: single nucleotide variant.
Coding change: c.*3243A>C on transcript NM_006371.5 (MANE Select); 3243 bases downstream of the stop codon, A replaced by C.
Molecular consequence: 3 prime UTR variant.
Genome position (GRCh38, 1-based): chr3:33,145,691, A>C. VCF-style: chr3-33145691-A-C. GRCh37 (hg19) VCF-style: chr3-33187183-A-C.
Identifiers: ClinVar variation 344867 (VCV000344867.5), dbSNP rs114378448, ClinGen allele CA10618503.
Genomic context (GRCh38, chr3:33,145,691, plus strand): 5'-ACTCCCCTTATAGCCTCAGGCTGCAGTGTCCTTCCCAGCTGTGTGAGAAAATGAAAGCCG[A>C]CGTCCACAGGGACCCAGGCAGGGTTGGGTGTTGTGACTCACTCCACCTCTGTGCCCTGCA-3'

ClinVar aggregate classification (germline): Benign (1 of 4 stars; one submission).

Conditions:
Osteogenesis imperfecta type 7 (OI7). Also called: OI type 7; OI type VII; OSTEOGENESIS IMPERFECTA, TYPE IIB; Osteogenesis imperfecta type 2B; OI type 2B; Osteogenesis imperfecta, perinatal lethal autosomal recessive. Identifiers: MedGen C1853162, MONDO:0012536, OMIM 610682.

Allele frequency attached by ClinVar (database versions not stated): gnomAD exomes 0.01099; gnomAD 0.02157 and 0.02306; 1000 Genomes Project 0.02296; 1000 Genomes Project 30x 0.02452; TOPMed 0.02482.
gnomAD v4.1: 3,259 of 152,408 alleles (2.1%); highest among the groups gnomAD compares: African/African-American, 7.3%; 114 homozygotes.

Submission:

Illumina Laboratory Services, Illumina
Classification: Benign for Osteogenesis imperfecta type 7. Last evaluated: 2018-01-13. Review status: criteria provided, single submitter. Criteria: ICSL Variant Classification Criteria 13 December 2019. Collection method: clinical testing. Allele origin: germline.
Comment: This variant was observed in the ICSL laboratory as part of a predisposition screen in an ostensibly healthy population. It had not been previously curated by ICSL or reported in the Human Gene Mutation Database (HGMD: prior to June 1st, 2018), and was therefore a candidate for classification through an automated scoring system. Utilizing variant allele frequency, disease prevalence and penetrance estimates, and inheritance mode, an automated score was calculated to assess if this variant is too frequent to cause the disease. Based on the score and internal cut-off values, a variant classified as benign is not then subjected to further curation. The score for this variant resulted in a classification of benign for this disease.